The following is an entry in ClinVar:

ClinVar aggregate classification (germline): Uncertain significance. Review status: criteria provided, multiple submitters, no conflicts (2 of 4 stars). 3 submissions from 3 submitters: Uncertain significance (2). 1 of the submissions does not count toward it. Last evaluated 2024-09-10.

Conditions:
Inborn genetic diseases. Identifiers: MedGen C0950123, MeSH D030342.
GNPTG-mucolipidosis. Also called: ML III GAMMA; ML IIIC; MUCOLIPIDOSIS III, COMPLEMENTATION GROUP C; MUCOLIPIDOSIS III, IRANIAN VARIANT FORM; MUCOLIPIDOSIS III, VARIANT FORM; Mucolipidosis type III gamma. Identifiers: Orphanet 423470, Orphanet 577, MedGen C1854896, MONDO:0009652, OMIM 252605.

Allele frequency attached by ClinVar (database versions not stated): gnomAD exomes below 0.00001 and 0.00001; ExAC 0.00001; gnomAD 0.00001; TOPMed 0.00003.
gnomAD v4.1: 7 of 1,613,892 alleles (0.00043%); highest among the groups gnomAD compares: African/African-American, 0.008%; no homozygotes.

Submissions (3):

Ambry Genetics
Classification: Uncertain significance for Inborn genetic diseases. Last evaluated: 2024-09-10. Review status: criteria provided, single submitter. Criteria: Ambry Variant Classification Scheme 2023. Collection method: clinical testing. Allele origin: germline.

Labcorp Genetics (formerly Invitae), Labcorp
Classification: Uncertain significance. Last evaluated: 2022-06-27. Review status: criteria provided, single submitter. Criteria: Invitae Variant Classification Sherloc (09022015). Collection method: clinical testing. Allele origin: germline.
Comment: This sequence change replaces leucine, which is neutral and non-polar, with valine, which is neutral and non-polar, at codon 180 of the GNPTG protein (p.Leu180Val). This variant is present in population databases (rs776105074, gnomAD 0.02%). This variant has not been reported in the literature in individuals affected with GNPTG-related conditions. ClinVar contains an entry for this variant (Variation ID: 841944). Algorithms developed to predict the effect of missense changes on protein structure and function are either unavailable or do not agree on the potential impact of this missense change (SIFT: "Deleterious"; PolyPhen-2: "Probably Damaging"; Align-GVGD: "Class C0"). In summary, the available evidence is currently insufficient to determine the role of this variant in disease. Therefore, it has been classified as a Variant of Uncertain Significance.

Natera, Inc.
Classification: Uncertain significance for Mucolipidosis III gamma. Last evaluated: 2021-06-25. Review status: no assertion criteria provided. Collection method: clinical testing. Allele origin: germline. Not counted in ClinVar's aggregate classification.

NM_032520.5(GNPTG):c.538C>G (p.Leu180Val)

Gene: GNPTG (N-acetylglucosamine-1-phosphate transferase subunit gamma; plus strand). Cytogenetic location: 16p13.3.
Variant type: single nucleotide variant.
Coding change: c.538C>G on transcript NM_032520.5 (MANE Select); coding-DNA position 538, C replaced by G.
Protein change: p.Leu180Val; replaces leucine 180 with valine.
Molecular consequence: missense variant.
Genome position (GRCh38, 1-based): chr16:1,362,463, C>G. VCF-style: chr16-1362463-C-G. GRCh37 (hg19) VCF-style: chr16-1412464-C-G.
Other names: short protein forms L180V.
Identifiers: ClinVar variation 841944 (VCV000841944.9), dbSNP rs776105074, ClinGen allele CA7807799.
Genomic context (GRCh38, chr16:1,362,463, plus strand): 5'-GGGTTGGGACATGGGGTGCAGCTGAGCCTGGCTTCTCTTGGGTCCTCAGTGTACCCAACC[C>G]TGCCAGAGGCCCTGCAGCGGCAGTGGGACCAGGTAGAGCAGGACCTGGCCGATGAGCTGA-3'
Protein context (NP_115909.1, residues 170-190): HPHALLVYPT[Leu180Val]PEALQRQWDQ